The following is an entry in ClinVar:

NM_001130438.3(SPTAN1):c.390G>T (p.Gln130His)

Gene: SPTAN1 (spectrin alpha, non-erythrocytic 1; plus strand). Cytogenetic location: 9q34.11.
Variant type: single nucleotide variant.
Coding change: c.390G>T on transcript NM_001130438.3 (MANE Select); coding-DNA position 390, G replaced by T.
Protein change: p.Gln130His; replaces glutamine 130 with histidine.
Molecular consequence: missense variant.
Genome position (GRCh38, 1-based): chr9:128,574,701, G>T. VCF-style: chr9-128574701-G-T. GRCh37 (hg19) VCF-style: chr9-131336980-G-T.
Other names: c.390G>T, p.Gln130His (NM_001195532.2, NM_001363759.2, NM_001363765.2 and 5 more transcripts); c.426G>T, p.Gln142His (NM_001375312.2, NM_001375318.1); short protein forms Q130H, Q142H.
Identifiers: ClinVar variation 1000864 (VCV001000864.9), dbSNP rs975951020, ClinGen allele CA200430153.

ClinVar aggregate classification (germline): Uncertain significance (1 of 4 stars; one submission).

Conditions:
Early-infantile DEE. Also called: Early infantile epileptic encephalopathy with suppression bursts; Ohtahara syndrome; Early infantile epileptic encephalopathy. Identifiers: Orphanet 1934, MedGen C0393706, MONDO:0800491.

Allele frequency attached by ClinVar (database versions not stated): TOPMed 0.00001.

Submission:

Labcorp Genetics (formerly Invitae), Labcorp
Classification: Uncertain significance for Early-infantile DEE. Last evaluated: 2022-11-01. Review status: criteria provided, single submitter. Criteria: Invitae Variant Classification Sherloc (09022015). Collection method: clinical testing. Allele origin: germline.
Comment: In summary, the available evidence is currently insufficient to determine the role of this variant in disease. Therefore, it has been classified as a Variant of Uncertain Significance. Advanced modeling of protein sequence and biophysical properties (such as structural, functional, and spatial information, amino acid conservation, physicochemical variation, residue mobility, and thermodynamic stability) has been performed at Invitae for this missense variant, however the output from this modeling did not meet the statistical confidence thresholds required to predict the impact of this variant on SPTAN1 protein function. ClinVar contains an entry for this variant (Variation ID: 1000864). This variant has not been reported in the literature in individuals affected with SPTAN1-related conditions. This variant is not present in population databases (gnomAD no frequency). This sequence change replaces glutamine, which is neutral and polar, with histidine, which is basic and polar, at codon 130 of the SPTAN1 protein (p.Gln130His).